The following is an entry in ClinVar:

ClinVar aggregate classification (germline): Conflicting classifications of pathogenicity. Review status: criteria provided, conflicting classifications (1 of 4 stars). 6 submissions from 6 submitters: Uncertain significance (5); Likely benign (1). Last evaluated 2024-12-17.

Conditions:
Cardiovascular phenotype. Identifiers: MedGen CN230736.
Hypertrophic cardiomyopathy 14. Identifiers: MedGen C2750467, MONDO:0013197, OMIM 613251.

Allele frequency attached by ClinVar (database versions not stated): gnomAD 0.00007 and 0.00006; ExAC 0.00008; ESP Exome Variant Server 0.00008; gnomAD exomes 0.00010; TOPMed 0.00003.
gnomAD v4.1: 101 of 1,614,064 alleles (0.0063%); highest among the groups gnomAD compares: South Asian, 0.056%; 1 homozygote.

Submissions (6):

Ambry Genetics
Classification: Uncertain significance for Cardiovascular phenotype. Last evaluated: 2024-12-17. Review status: criteria provided, single submitter. Criteria: Ambry Variant Classification Scheme 2023. Collection method: clinical testing. Allele origin: germline.
Comment: The p.R443H variant (also known as c.1328G>A), located in coding exon 11 of the MYH6 gene, results from a G to A substitution at nucleotide position 1328. The arginine at codon 443 is replaced by histidine, an amino acid with highly similar properties. This alteration has been reported as a secondary cardiac variant in an exome cohort; however, clinical details are limited (Ng D et al. Circ Cardiovasc Genet, 2013 Aug;6:337-46). This alteration has also been reported in a drug-induced arrhythmia/sudden unexplained death cohort (Martinez-Matilla M et al. Forensic Sci Int Genet, 2019 09;42:203-212). This amino acid position is highly conserved in available vertebrate species. In addition, this alteration is predicted to be deleterious by in silico analysis. Since supporting evidence is limited at this time, the clinical significance of this alteration remains unclear.

Blueprint Genetics
Classification: Likely benign. Last evaluated: 2024-01-19. Review status: criteria provided, single submitter. Criteria: ACMG Guidelines, 2015. Collection method: clinical testing. Allele origin: germline.

GeneDx
Classification: Uncertain significance. Last evaluated: 2023-06-21. Review status: criteria provided, single submitter. Criteria: GeneDx Variant Classification Process June 2021. Collection method: clinical testing. Allele origin: germline. Affected: yes.
Comment: Has been reported as a variant of uncertain significance in an individual with sudden unexplained death who also harbored a second MYH6 variant, as well as a variant of uncertain significance in the SCN10A gene (Martinez-Matilla et al., 2019).; In silico analysis supports that this missense variant has a deleterious effect on protein structure/function; This variant is associated with the following publications: (PMID: 23861362, 31376648)

Labcorp Genetics (formerly Invitae), Labcorp
Classification: Uncertain significance for Hypertrophic cardiomyopathy 14. Last evaluated: 2022-10-05. Review status: criteria provided, single submitter. Criteria: Invitae Variant Classification Sherloc (09022015). Collection method: clinical testing. Allele origin: germline.
Comment: In summary, the available evidence is currently insufficient to determine the role of this variant in disease. Therefore, it has been classified as a Variant of Uncertain Significance. Advanced modeling of protein sequence and biophysical properties (such as structural, functional, and spatial information, amino acid conservation, physicochemical variation, residue mobility, and thermodynamic stability) performed at Invitae indicates that this missense variant is expected to disrupt MYH6 protein function. ClinVar contains an entry for this variant (Variation ID: 191720). This variant has not been reported in the literature in individuals affected with MYH6-related conditions. This variant is present in population databases (rs202096001, gnomAD 0.06%), and has an allele count higher than expected for a pathogenic variant. This sequence change replaces arginine, which is basic and polar, with histidine, which is basic and polar, at codon 443 of the MYH6 protein (p.Arg443His).

Victorian Clinical Genetics Services, Murdoch Childrens Research Institute
Classification: Uncertain significance for Hypertrophic cardiomyopathy 14. Last evaluated: 2021-05-06. Review status: criteria provided, single submitter. Criteria: ACMG Guidelines, 2015. Collection method: clinical testing. Allele origin: germline. Inheritance: Autosomal dominant inheritance.
Comment: Based on the classification scheme VCGS_Germline_v1.3.3, this variant is classified as a VUS-3C Following criteria are met: 0105 - The mechanism of disease for this gene is not clearly established. (I) 0107 - This gene is associated with autosomal dominant disease. (I) 0200 - Variant is predicted to result in a missense amino acid change from arginine to histidine. (I) 0251 - This variant is heterozygous. (I) 0302 - Variant is present in gnomAD (v.2.1.1) <0.001 for a dominant condition (26 heterozygotes, 0 homozygotes) with the S. Asian frequency of 0.00059 (18 heterozygotes). (SP) 0309 - An alternative amino acid change, p.(Arg443Cys) at the same position has been observed in gnomAD (v2.1.1) (30 heterozygotes, 0 homozygotes) with the E. Asian frequency of 0.001 (21 heterozygotes). (I) 0501 - Missense variant consistently predicted to be damaging by multiple in silico tools. Very high conservation but minor amino acid change. (SP) 0600 - Variant is located in the annotated myosin head (motor domain) (RCSB PDB, UniProt, NCBI_Conserved domains, DECIPHER). (I) 0708 - Other missense variants at the same position, and all causing major amino acid changes, have conflicting previous evidence for pathogenicity: p.(Arg443Cys): Likely benign in ClinVar, VUS in LOVD3, PMID: 23396983, PMID: 28549997; p.(Arg443Pro): VUS in ClinVar and considered disease-causing in hypoplastic left heart syndrome (PMID: 27789736, PMID: 32656206 PMID: 29687901, PMID: 29697798). p.(Arg443Leu) has also been reported (PMID: 29420653). (I) 0809 - Previous evidence of pathogenicity for this variant is inconclusive. It has been reported as a VUS in ClinVar, citing PMID: 23861362; VUS in PMID: 31376648 and is listed as a rare variant in an online resource of Cardiac Variation. (I) 0905 - No published segregation evidence has been identified for this variant. (I) 1007 - No published functional evidence has been identified for this variant. (I) 1208 - Inheritance information for this variant is not currently available in this individual. (I) Legend: (SP) - Supporting Pathogenic, (I) – Information, (SB) – Supporting Benign

Biesecker Lab/Clinical Genomics Section, National Institutes of Health
Classification: Uncertain significance. Last evaluated: 2013-06-24. Review status: criteria provided, single submitter. Criteria: Ng et al. (Circ Cardiovasc Genet. 2013). Collection method: research. Allele origin: unknown. Observed: 1 variant allele. Study: ClinSeq.
Comment: The study set was not selected for affection status in relation to any cancer. Pathogenicity categories were based on literature curation. See Pubmed ID:23861362 for details.

Medical sequencing

Literature cited by the submitters: PubMed 23861362 (cited by Ambry Genetics and Victorian Clinical Genetics Services, Murdoch Childrens Research Institute); PubMed 31376648 (cited by Ambry Genetics and Victorian Clinical Genetics Services, Murdoch Childrens Research Institute); PubMed 23396983 (cited by Victorian Clinical Genetics Services, Murdoch Childrens Research Institute); PubMed 27789736 (cited by Victorian Clinical Genetics Services, Murdoch Childrens Research Institute); PubMed 28549997 (cited by Victorian Clinical Genetics Services, Murdoch Childrens Research Institute); PubMed 29420653 (cited by Victorian Clinical Genetics Services, Murdoch Childrens Research Institute); PubMed 29687901 (cited by Victorian Clinical Genetics Services, Murdoch Childrens Research Institute); PubMed 29697798 (cited by Victorian Clinical Genetics Services, Murdoch Childrens Research Institute); PubMed 32656206 (cited by Victorian Clinical Genetics Services, Murdoch Childrens Research Institute).

NM_002471.4(MYH6):c.1328G>A (p.Arg443His)

Gene: MYH6 (myosin heavy chain 6; minus strand). Cytogenetic location: 14q11.2.
Variant type: single nucleotide variant.
Coding change: c.1328G>A on transcript NM_002471.4 (MANE Select); coding-DNA position 1328, G replaced by A.
Protein change: p.Arg443His; replaces arginine 443 with histidine.
Molecular consequence: missense variant.
Genome position (GRCh38, 1-based): chr14:23,400,791, C>T on the plus strand (G>A on the coding strand, the complement: MYH6 is on the minus strand). VCF-style: chr14-23400791-C-T. GRCh37 (hg19) VCF-style: chr14-23870000-C-T.
Other names: short protein forms R443H.
Identifiers: ClinVar variation 191720 (VCV000191720.11), dbSNP rs202096001, ClinGen allele CA237367.
Genomic context (GRCh38, chr14:23,400,791, plus strand): 5'-ATGTCCAGGACTCCTATGAAGTACTGGCGTGGCTGCTTGGTCTCCAGGGTGGCGTTGATG[C>T]GCGTCACCATCCAGTTGAACATCTTCTCATACACTGCCTTGGCCAGAGCCCCGATGGAGT-3'
Protein context (NP_002462.2, residues 433-453): YEKMFNWMVT[Arg443His]INATLETKQP